The following is an entry in ClinVar:

ClinVar aggregate classification (germline): Uncertain significance (1 of 4 stars; one submission).

gnomAD v4.1: 1 of 1,613,818 alleles (0.000062%); highest among the groups gnomAD compares: African/African-American, 0.0013%; no homozygotes.

Submission:

Labcorp Genetics (formerly Invitae), Labcorp
Classification: Uncertain significance. Last evaluated: 2025-06-12. Review status: criteria provided, single submitter. Criteria: Invitae Variant Classification Sherloc (09022015). Collection method: clinical testing. Allele origin: germline.
Comment: This sequence change replaces methionine, which is neutral and non-polar, with threonine, which is neutral and polar, at codon 964 of the XPO5 protein (p.Met964Thr). This variant is not present in population databases (gnomAD no frequency). This variant has not been reported in the literature in individuals affected with XPO5-related conditions. An algorithm developed to predict the effect of missense changes on protein structure and function (PolyPhen-2) suggests that this variant is likely to be tolerated. In summary, the available evidence is currently insufficient to determine the role of this variant in disease. Therefore, it has been classified as a Variant of Uncertain Significance.

NM_020750.3(XPO5):c.2891T>C (p.Met964Thr)

Genes: POLR1C (RNA polymerase I and III subunit C; plus strand), XPO5 (exportin 5; minus strand). Cytogenetic location: 6p21.1.
Variant type: single nucleotide variant.
Coding change: c.2891T>C on transcript NM_020750.3 (MANE Select); coding-DNA position 2891, T replaced by C.
Protein change: p.Met964Thr; replaces methionine 964 with threonine.
Molecular consequence: missense variant. On other transcripts: non-coding transcript variant (1), intron variant (2).
Genome position (GRCh38, 1-based): chr6:43,527,663, A>G on the plus strand (T>C on the coding strand, the complement: XPO5 is on the minus strand). VCF-style: chr6-43527663-A-G. GRCh37 (hg19) VCF-style: chr6-43495401-A-G.
Other names: c.922+6615A>G (NM_001363658.2); c.923-1586A>G (NM_001318876.2); short protein forms M964T.
Identifiers: ClinVar variation 4703534 (VCV004703534.1).